The following is an entry in ClinVar:

NM_003193.5(TBCE):c.667C>T (p.Arg223Trp)

Gene: TBCE (tubulin folding cofactor E; plus strand). Cytogenetic location: 1q42.3.
Variant type: single nucleotide variant.
Coding change: c.667C>T on transcript NM_003193.5 (MANE Select); coding-DNA position 667, C replaced by T.
Protein change: p.Arg223Trp; replaces arginine 223 with tryptophan.
Molecular consequence: missense variant.
Genome position (GRCh38, 1-based): chr1:235,434,210, C>T. VCF-style: chr1-235434210-C-T. GRCh37 (hg19) VCF-style: chr1-235597525-C-T.
Other names: c.667C>T, p.Arg223Trp (NM_001079515.3); c.820C>T, p.Arg274Trp (NM_001287801.2); c.328C>T, p.Arg110Trp (NM_001287802.2); short protein forms R110W, R274W, R223W.
Identifiers: ClinVar variation 721221 (VCV000721221.12), dbSNP rs75832955, ClinGen allele CA1464160.

ClinVar aggregate classification (germline): Likely benign. Review status: criteria provided, multiple submitters, no conflicts (2 of 4 stars). 3 submissions from 3 submitters: Likely benign (3). Last evaluated 2025-12-14.

Conditions:
Hypoparathyroidism-retardation-dysmorphism syndrome (HRDS). Also called: SANJAD-SAKATI SYNDROME. Identifiers: Orphanet 2323, MedGen C1855840, MONDO:0009426, OMIM 241410.

Allele frequency attached by ClinVar (database versions not stated): gnomAD 0.00018 and 0.00028; gnomAD exomes 0.00022 and 0.00065; TOPMed 0.00035; ExAC 0.00068; 1000 Genomes Project 0.00160; 1000 Genomes Project 30x 0.00172.
gnomAD v4.1: 369 of 1,614,056 alleles (0.023%); highest among the groups gnomAD compares: East Asian, 0.72%; 1 homozygote.

Submissions (3):

Labcorp Genetics (formerly Invitae), Labcorp
Classification: Likely benign. Last evaluated: 2025-12-14. Review status: criteria provided, single submitter. Criteria: Invitae Variant Classification Sherloc (09022015). Collection method: clinical testing. Allele origin: germline.

Blueprint Genetics
Classification: Likely benign. Last evaluated: 2024-03-07. Review status: criteria provided, single submitter. Criteria: ACMG Guidelines, 2015. Collection method: clinical testing. Allele origin: germline.

Illumina Laboratory Services, Illumina
Classification: Likely benign for Hypoparathyroidism-retardation-dysmorphism syndrome. Last evaluated: 2018-01-13. Review status: criteria provided, single submitter. Criteria: ICSL Variant Classification Criteria 13 December 2019. Collection method: clinical testing. Allele origin: germline.
Comment: This variant was observed in the ICSL laboratory as part of a predisposition screen in an ostensibly healthy population. It had not been previously curated by ICSL or reported in the Human Gene Mutation Database (HGMD: prior to June 1st, 2018), and was therefore a candidate for classification through an automated scoring system. Utilizing variant allele frequency, disease prevalence and penetrance estimates, and inheritance mode, an automated score was calculated to assess if this variant is too frequent to cause the disease. Based on the score and internal cut-off values, a variant classified as likely benign is not then subjected to further curation. The score for this variant resulted in a classification of likely benign for this disease.